The following is an entry in ClinVar:

ClinVar aggregate classification (germline): Likely pathogenic (1 of 4 stars; one submission).

Conditions:
Isovaleryl-CoA dehydrogenase deficiency (IVA). Also called: ISOVALERIC ACID CoA DEHYDROGENASE DEFICIENCY; Classic Isovaleric Acidemia; Isovaleric acidemia; IVD DEFICIENCY. Identifiers: Orphanet 33, MedGen C0268575, MONDO:0009475, OMIM 243500.

Submission:

Myriad Genetics, Inc.
Classification: Likely pathogenic for Isovaleryl-CoA dehydrogenase deficiency. Last evaluated: 2021-12-17. Review status: criteria provided, single submitter. Criteria: Myriad Women's Health Autosomal Recessive and X-Linked Classification Criteria (2021). Collection method: clinical testing. Allele origin: unknown.
Comment: NM_002225.3(IVD):c.649_650delGC(A217Cfs*21) is expected to be pathogenic in the context of isovaleric acidemia. This variant is predicted to lead to an abnormal or absent protein product due to the creation of a premature termination codon in IVD, a gene where loss-of-function variants are known to be pathogenic. Please note: this variant was assessed in the context of healthy population screening.

NM_002225.5(IVD):c.640_641del (p.Ala214fs)

Gene: IVD (isovaleryl-CoA dehydrogenase; plus strand). Cytogenetic location: 15q15.1.
Variant type: Deletion.
Coding change: c.640_641del on transcript NM_002225.5 (MANE Select); coding-DNA positions 640 to 641, 2 bases deleted (GC; older notation c.640_641delGC).
Protein change: p.Ala214fs; shifts the reading frame from alanine 214.
Molecular consequence: frameshift variant. On other transcripts: non-coding transcript variant (1).
Genome position (GRCh38, 1-based): chr15:40,411,644-40,411,645, GC deleted. VCF-style (leftmost placement, unchanged base first): chr15-40411643-GGC-G. GRCh37 (hg19) VCF-style: chr15-40703842-GGC-G.
Other names: c.550_551del, p.Ala184fs (NM_001159508.3); c.592_593del, p.Ala198fs (NM_001354597.3); c.640_641del, p.Ala214fs (NM_001354598.3, NM_001354601.3); c.727_728del, p.Ala243fs (NM_001354599.3, NM_001354600.3); short protein forms A184fs, A198fs, A214fs, A243fs.
Identifiers: ClinVar variation 1726528 (VCV001726528.2), dbSNP rs2542697546, ClinGen allele CA2580089370.
Genomic context (GRCh38, chr15:40,411,643, plus strand): 5'-GTTCTGGATCACTAATGGCCCTGATGCTGACGTCCTGATTGTCTATGCCAAGACAGATCT[GGC>G]TGCTGTGCCAGCTTCTCGGGGCATCACAGCCTTCATTGTGGAGAAGGTGAGTATAGGTGG-3'